The following is an entry in ClinVar:

NM_000435.3(NOTCH3):c.*808G>A

Gene: NOTCH3 (notch receptor 3; minus strand). Cytogenetic location: 19p13.12.
Variant type: single nucleotide variant.
Coding change: c.*808G>A on transcript NM_000435.3 (MANE Select); 808 bases downstream of the stop codon, G replaced by A.
Molecular consequence: 3 prime UTR variant.
Genome position (GRCh38, 1-based): chr19:15,159,854, C>T on the plus strand (G>A on the coding strand, the complement: NOTCH3 is on the minus strand). VCF-style: chr19-15159854-C-T. GRCh37 (hg19) VCF-style: chr19-15270665-C-T.
Identifiers: ClinVar variation 328360 (VCV000328360.6), dbSNP rs1044116, ClinGen allele CA10652274.

ClinVar aggregate classification (germline): Benign. Review status: criteria provided, multiple submitters, no conflicts (2 of 4 stars). 2 submissions from 2 submitters: Benign (2). Last evaluated 2017-04-27.

Conditions:
Cerebral arteriopathy, autosomal dominant, with subcortical infarcts and leukoencephalopathy, type 1 (CADASIL1). Also called: CADASIL 1; Cerebral arteriopathy with subcortical infarcts and leukoencephalopathy 1; CASIL; DEMENTIA, HEREDITARY MULTIINFARCT TYPE. Identifiers: Orphanet 136, MedGen C4551768, MONDO:0000914, OMIM 125310.

Allele frequency attached by ClinVar (database versions not stated): 1000 Genomes Project 0.62380; 1000 Genomes Project 30x 0.62633; TOPMed 0.65889; gnomAD 0.68208 and 0.68248; gnomAD exomes 0.72031.
gnomAD v4.1: 162,431 of 233,580 alleles (70%); highest among the groups gnomAD compares: Non-Finnish European, 77%; 57,716 homozygotes.

Submissions (2):

Illumina Laboratory Services, Illumina
Classification: Benign for Cerebral arteriopathy, autosomal dominant, with subcortical infarcts and leukoencephalopathy, type 1. Last evaluated: 2017-04-27. Review status: criteria provided, single submitter. Criteria: ICSL Variant Classification Criteria 13 December 2019. Collection method: clinical testing. Allele origin: germline.
Comment: This variant was observed as part of a predisposition screen in an ostensibly healthy population. A literature search was performed for the gene, cDNA change, and amino acid change (where applicable). No publications were found based on this search. Allele frequency data from public databases was too high to be consistent with this variant causing disease. Therefore, this variant is classified as benign.

Breakthrough Genomics
Classification: Benign. Review status: criteria provided, single submitter. Criteria: ACMG Guidelines, 2015. Collection method: not provided. Allele origin: germline. Inheritance: Autosomal dominant inheritance. Affected: yes.